The following is an entry in ClinVar:

NM_025132.4(WDR19):c.3358+3A>G

Gene: WDR19 (WD repeat domain 19; plus strand). Cytogenetic location: 4p14.
Variant type: single nucleotide variant.
Coding change: c.3358+3A>G on transcript NM_025132.4 (MANE Select); 3 bases into the intron after coding-DNA position 3358, A replaced by G.
Molecular consequence: intron variant.
Genome position (GRCh38, 1-based): chr4:39,268,094, A>G. VCF-style: chr4-39268094-A-G. GRCh37 (hg19) VCF-style: chr4-39269714-A-G.
Other names: c.2878+3A>G (NM_001317924.2).
Identifiers: ClinVar variation 1467475 (VCV001467475.7), dbSNP rs1263454874, ClinGen allele CA550722049.
Genomic context (GRCh38, chr4:39,268,094, plus strand): 5'-CAATACCGAGAAGCTGCCCAGACTGCCATCATCATTGCCAGAGAAGAGCAGTCTGCAGGT[A>G]GGTCCGTGATACGTATGTGTTACTTCCCAAGCAGGCAGCAGAATCAAGCCCCAGCCCCTT-3'

ClinVar aggregate classification (germline): Uncertain significance. Review status: criteria provided, multiple submitters, no conflicts (2 of 4 stars). 2 submissions from 2 submitters: Uncertain significance (2). Last evaluated 2023-07-17.

Conditions:
Senior-Loken syndrome 8 (SLSN8). Identifiers: Orphanet 3156, MedGen C4225376, MONDO:0014579, OMIM 616307.
Asphyxiating thoracic dystrophy 5 (SRTD5). Also called: SHORT-RIB THORACIC DYSPLASIA 5 WITH OR WITHOUT POLYDACTYLY; SHORT-RIB THORACIC DYSPLASIA 5 WITHOUT POLYDACTYLY. Identifiers: Orphanet 474, MedGen C3280598, MONDO:0013717, OMIM 614376.

Allele frequency attached by ClinVar (database versions not stated): gnomAD exomes below 0.00001 and 0.00001; gnomAD 0.00001; TOPMed 0.00001.
gnomAD v4.1: 6 of 1,576,188 alleles (0.00038%); highest among the groups gnomAD compares: Non-Finnish European, 0.00043%; no homozygotes.

Submissions (2):

Labcorp Genetics (formerly Invitae), Labcorp
Classification: Uncertain significance for Senior-Loken syndrome 8; Asphyxiating thoracic dystrophy 5. Last evaluated: 2023-07-17. Review status: criteria provided, single submitter. Criteria: Invitae Variant Classification Sherloc (09022015). Collection method: clinical testing. Allele origin: germline.
Comment: This variant is present in population databases (no rsID available, gnomAD 0.001%). In summary, the available evidence is currently insufficient to determine the role of this variant in disease. Therefore, it has been classified as a Variant of Uncertain Significance. Variants that disrupt the consensus splice site are a relatively common cause of aberrant splicing (PMID: 17576681, 9536098). Algorithms developed to predict the effect of sequence changes on RNA splicing suggest that this variant is not likely to affect RNA splicing. ClinVar contains an entry for this variant (Variation ID: 1467475). This variant has not been reported in the literature in individuals affected with WDR19-related conditions. This sequence change falls in intron 30 of the WDR19 gene. It does not directly change the encoded amino acid sequence of the WDR19 protein. It affects a nucleotide within the consensus splice site.

Blueprint Genetics
Classification: Uncertain significance. Last evaluated: 2022-01-10. Review status: criteria provided, single submitter. Criteria: ACMG Guidelines, 2015. Collection method: clinical testing. Allele origin: germline.

Literature cited by the submitters: PubMed 17576681 (cited by Labcorp Genetics (formerly Invitae), Labcorp); PubMed 9536098 (cited by Labcorp Genetics (formerly Invitae), Labcorp).